The following is an entry in ClinVar:

NM_001379180.1(ESRRB):c.*2241dup

Gene: ESRRB (estrogen related receptor beta; plus strand). Cytogenetic location: 14q24.3.
Variant type: Duplication.
Coding change: c.*2241dup on transcript NM_001379180.1 (MANE Select); 2241 bases downstream of the stop codon, one base duplicated (A; older notation c.*2241dupA).
Molecular consequence: 3 prime UTR variant. On other transcripts: frameshift variant (2).
Genome position (GRCh38, 1-based): chr14:76,500,699, A duplicated; the last of 3 consecutive A bases (chr14:76,500,697-76,500,699); duplicating any one gives the same sequence. VCF-style (leftmost placement, unchanged base first): chr14-76500696-G-GA. GRCh37 (hg19) VCF-style: chr14-76967039-G-GA.
Other names: NM_004452.3:c.1505dupA; p.His503AlafsX40; c.1505_1506insA (NM_004452.3); c.1505dup, p.His503fs (NM_004452.4); short protein forms H503fs.
Identifiers: ClinVar variation 505349 (VCV000505349.5), dbSNP rs1555345959, ClinGen allele CA658798236.

ClinVar aggregate classification (germline): Uncertain significance. Review status: criteria provided, multiple submitters, no conflicts (2 of 4 stars). 2 submissions from 2 submitters: Uncertain significance (2). Last evaluated 2023-12-28.

Submissions (2):

Blueprint Genetics
Classification: Uncertain significance. Last evaluated: 2023-12-28. Review status: criteria provided, single submitter. Criteria: ACMG Guidelines, 2015. Collection method: clinical testing. Allele origin: germline.

Laboratory for Molecular Medicine, Mass General Brigham Personalized Medicine
Classification: Uncertain significance. Last evaluated: 2016-12-08. Review status: criteria provided, single submitter. Criteria: LMM Criteria. Collection method: clinical testing. Allele origin: germline. Observed: 1 variant allele.
Comment: Variant classified as Uncertain Significance - Favor Pathogenic. The p.His503fs variant in ESRRB has not been previously reported in individuals with hearing lo ss or in large population studies. This variant is located in the last exon and is predicted to cause a frameshift. It is predicted to alter the protein?s amin o acid sequence beginning at position 503 and lead to a termination codon 40 ami no acids downstream from the canonical termination codon, thus resulting in a pr otein 34 amino acids longer than the normal one. Therefore, the impact of this variant on the protein function is unknown. In summary, while there is some sus picion for a pathogenic role, the clinical significance of the p.His503fs varian t is uncertain.